The following is an entry in ClinVar:

NM_005045.4(RELN):c.5210+6A>T

Gene: RELN (reelin; minus strand). Cytogenetic location: 7q22.1.
Variant type: single nucleotide variant.
Coding change: c.5210+6A>T on transcript NM_005045.4 (MANE Select); 6 bases into the intron after coding-DNA position 5210, A replaced by T.
Molecular consequence: intron variant.
Genome position (GRCh38, 1-based): chr7:103,565,272, T>A on the plus strand (A>T on the coding strand, the complement: RELN is on the minus strand). VCF-style: chr7-103565272-T-A. GRCh37 (hg19) VCF-style: chr7-103205719-T-A.
Other names: c.5210+6A>T (NM_173054.3).
Identifiers: ClinVar variation 1362082 (VCV001362082.6), dbSNP rs2117185798, ClinGen allele CA2573141399.
Genomic context (GRCh38, chr7:103,565,272, plus strand): 5'-CAATTATTTTCAAATTAAGTGACAGGCACCCAAAGTTCTGACATGTAGCCAAATGACAAT[T>A]CTCACATGGTGGAGAGTGGAAGGTAGACAGTGATCCGCTTCCAATTCTGGAATCTTTCCG-3'

ClinVar aggregate classification (germline): Uncertain significance (1 of 4 stars; one submission).

Conditions:
Norman-Roberts syndrome (LIS2). Also called: Lissencephaly 2 (Norman-Roberts type). Identifiers: Orphanet 89844, MedGen C0796089, MONDO:0009760, OMIM 257320.
Familial temporal lobe epilepsy 7. Identifiers: Orphanet 101046, MedGen C4225327, MONDO:0014639, OMIM 616436.

Submission:

Labcorp Genetics (formerly Invitae), Labcorp
Classification: Uncertain significance for Familial temporal lobe epilepsy 7; Norman-Roberts syndrome. Last evaluated: 2021-04-22. Review status: criteria provided, single submitter. Criteria: Invitae Variant Classification Sherloc (09022015). Collection method: clinical testing. Allele origin: germline.
Comment: In summary, the available evidence is currently insufficient to determine the role of this variant in disease. Therefore, it has been classified as a Variant of Uncertain Significance. Nucleotide substitutions within the consensus splice site are a relatively common cause of aberrant splicing (PMID: 17576681, 9536098). Algorithms developed to predict the effect of sequence changes on RNA splicing suggest that this variant is not likely to affect RNA splicing, but this prediction has not been confirmed by published transcriptional studies. This variant has not been reported in the literature in individuals with RELN-related conditions. This variant is not present in population databases (ExAC no frequency). This sequence change falls in intron 34 of the RELN gene. It does not directly change the encoded amino acid sequence of the RELN protein. It affects a nucleotide within the consensus splice site of the intron.

Literature cited by the submitters: PubMed 17576681; PubMed 9536098.